The following is an entry in ClinVar:

NM_004706.4(ARHGEF1):c.586C>T (p.Arg196Trp)

Gene: ARHGEF1 (Rho guanine nucleotide exchange factor 1; plus strand). Cytogenetic location: 19q13.2.
Variant type: single nucleotide variant.
Coding change: c.586C>T on transcript NM_004706.4 (MANE Select); coding-DNA position 586, C replaced by T.
Protein change: p.Arg196Trp; replaces arginine 196 with tryptophan.
Molecular consequence: missense variant. On other transcripts: non-coding transcript variant (2).
Genome position (GRCh38, 1-based): chr19:41,892,821, C>T. VCF-style: chr19-41892821-C-T. GRCh37 (hg19) VCF-style: chr19-42396892-C-T.
Other names: c.586C>T, p.Arg196Trp (NM_001396000.1, NM_001396003.1, NM_001396006.1); c.487C>T, p.Arg163Trp (NM_001396002.1, NM_001396004.1, NM_198977.2); c.631C>T, p.Arg211Trp (NM_199002.2); short protein forms R196W, R163W, R211W.
Identifiers: ClinVar variation 2215372 (VCV002215372.5), dbSNP rs1256811497, ClinGen allele CA406048771.

ClinVar aggregate classification (germline): Uncertain significance. Review status: criteria provided, multiple submitters, no conflicts (2 of 4 stars). 2 submissions from 2 submitters: Uncertain significance (2). Last evaluated 2023-05-16.

Allele frequency attached by ClinVar (database versions not stated): gnomAD exomes below 0.00001; TOPMed 0.00001.
gnomAD v4.1: 4 of 1,575,184 alleles (0.00025%); highest among the groups gnomAD compares: African/African-American, 0.0013%; no homozygotes.

Submissions (2):

Labcorp Genetics (formerly Invitae), Labcorp
Classification: Uncertain significance. Last evaluated: 2023-05-16. Review status: criteria provided, single submitter. Criteria: Invitae Variant Classification Sherloc (09022015). Collection method: clinical testing. Allele origin: germline.
Comment: This sequence change replaces arginine, which is basic and polar, with tryptophan, which is neutral and slightly polar, at codon 211 of the ARHGEF1 protein (p.Arg211Trp). This variant is not present in population databases (gnomAD no frequency). This variant has not been reported in the literature in individuals affected with ARHGEF1-related conditions. ClinVar contains an entry for this variant (Variation ID: 2215372). An algorithm developed to predict the effect of missense changes on protein structure and function (PolyPhen-2) suggests that this variant is likely to be disruptive. In summary, the available evidence is currently insufficient to determine the role of this variant in disease. Therefore, it has been classified as a Variant of Uncertain Significance.

Ambry Genetics
Classification: Uncertain significance. Last evaluated: 2022-10-27. Review status: criteria provided, single submitter. Criteria: Ambry Variant Classification Scheme 2023. Collection method: clinical testing. Allele origin: germline.